The following is an entry in ClinVar:

NM_000548.5(TSC2):c.775-3C>A

Gene: TSC2 (TSC complex subunit 2; plus strand). Cytogenetic location: 16p13.3.
Variant type: single nucleotide variant.
Coding change: c.775-3C>A on transcript NM_000548.5 (MANE Select); 3 bases into the intron before coding-DNA position 775, C replaced by A.
Molecular consequence: intron variant.
Genome position (GRCh38, 1-based): chr16:2,057,102, C>A. VCF-style: chr16-2057102-C-A. GRCh37 (hg19) VCF-style: chr16-2107103-C-A.
Other names: c.775-3C>A (NM_001114382.3, NM_021055.3, NM_001370405.1 and 3 more transcripts); c.664-3C>A (NM_001318827.2); c.175-3C>A (NM_001318831.2); c.628-3C>A (NM_001318829.2); c.808-3C>A (NM_001318832.2).
Identifiers: ClinVar variation 936335 (VCV000936335.9), dbSNP rs397514909, ClinGen allele CA1139664331.

ClinVar aggregate classification (germline): Uncertain significance (1 of 4 stars; one submission).

Conditions:
Tuberous sclerosis 2 (TSC2). Identifiers: Orphanet 805, MedGen C1860707, MONDO:0013199, OMIM 613254.

Submission:

Labcorp Genetics (formerly Invitae), Labcorp
Classification: Uncertain significance for Tuberous sclerosis 2. Last evaluated: 2025-11-03. Review status: criteria provided, single submitter. Criteria: Invitae Variant Classification Sherloc (09022015). Collection method: clinical testing. Allele origin: germline.
Comment: This sequence change falls in intron 8 of the TSC2 gene. It does not directly change the encoded amino acid sequence of the TSC2 protein. It affects a nucleotide within the consensus splice site. This variant is not present in population databases (gnomAD no frequency). This variant has not been reported in the literature in individuals affected with TSC2-related conditions. ClinVar contains an entry for this variant (Variation ID: 936335). Variants that disrupt the consensus splice site are a relatively common cause of aberrant splicing (PMID: 17576681, 9536098). Studies have shown that this variant is associated with inconclusive levels of altered splicing (internal data). In summary, the available evidence is currently insufficient to determine the role of this variant in disease. Therefore, it has been classified as a Variant of Uncertain Significance.

Literature cited by the submitters: PubMed 17576681; PubMed 9536098.